The following is an entry in ClinVar:

ClinVar aggregate classification (germline): Uncertain significance (1 of 4 stars; one submission).

Conditions:
Inborn genetic diseases. Identifiers: MedGen C0950123, MeSH D030342.

Submission:

Ambry Genetics
Classification: Uncertain significance for Inborn genetic diseases. Last evaluated: 2023-05-15. Review status: criteria provided, single submitter. Criteria: Ambry Variant Classification Scheme 2023. Collection method: clinical testing. Allele origin: germline.
Comment: The p.K1532N variant (also known as c.4596A>C), located in coding exon 32 of the LRRK2 gene, results from an A to C substitution at nucleotide position 4596. The lysine at codon 1532 is replaced by asparagine, an amino acid with similar properties. This amino acid position is conserved. In addition, this alteration is predicted to be tolerated by in silico analysis. Since supporting evidence is limited at this time, the clinical significance of this alteration remains unclear.

NM_198578.4(LRRK2):c.4596A>C (p.Lys1532Asn)

Gene: LRRK2 (leucine rich repeat kinase 2; plus strand). Cytogenetic location: 12q12.
Variant type: single nucleotide variant.
Coding change: c.4596A>C on transcript NM_198578.4 (MANE Select); coding-DNA position 4596, A replaced by C.
Protein change: p.Lys1532Asn; replaces lysine 1532 with asparagine.
Molecular consequence: missense variant.
Genome position (GRCh38, 1-based): chr12:40,314,031, A>C. VCF-style: chr12-40314031-A-C. GRCh37 (hg19) VCF-style: chr12-40707833-A-C.
Other names: short protein forms K1532N.
Identifiers: ClinVar variation 2567402 (VCV002567402.2), dbSNP rs2499845931, ClinGen allele CA384418862.
Genomic context (GRCh38, chr12:40,314,031, plus strand): 5'-GATCCGAGATCAGCTTGTTGTTGGACAGCTGATTCCAGACTGCTATGTAGAACTTGAAAA[A>C]ATCATTTTATCGGAGCGTAAAAATGTGCCAATTGAATTTCCCGTAATTGACCGGAAACGA-3'
Protein context (NP_940980.4, residues 1522-1542): LIPDCYVELE[Lys1532Asn]IILSERKNVP